The following is an entry in ClinVar:

NM_001931.5(DLAT):c.165C>G (p.Val55=)

Gene: DLAT (dihydrolipoamide S-acetyltransferase; plus strand). Cytogenetic location: 11q23.1.
Variant type: single nucleotide variant.
Coding change: c.165C>G on transcript NM_001931.5 (MANE Select); coding-DNA position 165, C replaced by G.
Protein change: p.Val55=; no amino-acid change (valine 55 retained).
Molecular consequence: synonymous variant. On other transcripts: missense variant (1), 5 prime UTR variant (1), non-coding transcript variant (1), intron variant (1).
Genome position (GRCh38, 1-based): chr11:112,025,637, C>G. VCF-style: chr11-112025637-C-G. GRCh37 (hg19) VCF-style: chr11-111896361-C-G.
Other names: c.165C>G, p.Val55= (NM_001372031.1, NM_001372032.1, NM_001372033.1 and 6 more transcripts); c.124C>G, p.Pro42Ala (NM_001372036.1); c.-302C>G (NM_001372042.1); c.111+13C>G (NM_001372037.1); short protein forms P42A.
Identifiers: ClinVar variation 289331 (VCV000289331.9), dbSNP rs199520186, ClinGen allele CA6276535.

ClinVar aggregate classification (germline): Conflicting classifications of pathogenicity. Review status: criteria provided, conflicting classifications (1 of 4 stars). 4 submissions from 4 submitters: Uncertain significance (2); Likely benign (2). Last evaluated 2025-12-01.

Conditions:
Leigh syndrome (NULS). Also called: LEIGH SYNDROME, NUCLEAR; Leigh Syndrome (mtDNA deletion); Leigh's syndrome; Leigh's necrotizing encephalopathy; Leigh's disease; Leigh Disease. Identifiers: Orphanet 506, MedGen C2931891, MONDO:0009723, OMIM 256000.
Pyruvate dehydrogenase E2 deficiency (PDHDD). Also called: LACTIC ACIDEMIA DUE TO DEFECT OF E2 LIPOYL TRANSACETYLASE OF THE PYRUVATE DEHYDROGENASE COMPLEX; Dihydrolipoamide Acetyltransferase (E2) Deficiency. Identifiers: Orphanet 765, Orphanet 79244, MedGen C1855565, MONDO:0009502, OMIM 245348.

Allele frequency attached by ClinVar (database versions not stated): gnomAD exomes 0.00002 and 0.00006; ExAC 0.00004; gnomAD 0.00005 and 0.00006; TOPMed 0.00006; 1000 Genomes Project 30x 0.00031; 1000 Genomes Project 0.00040.
gnomAD v4.1: 36 of 1,613,346 alleles (0.0022%); highest among the groups gnomAD compares: Admixed American, 0.0067%; 1 homozygote.

Submissions (4):

Labcorp Genetics (formerly Invitae), Labcorp
Classification: Likely benign for Pyruvate dehydrogenase E2 deficiency. Last evaluated: 2025-12-01. Review status: criteria provided, single submitter. Criteria: Invitae Variant Classification Sherloc (09022015). Collection method: clinical testing. Allele origin: germline.

Department of Pathology and Laboratory Medicine, Sinai Health System
Classification: Uncertain significance for Leigh syndrome. Last evaluated: 2021-10-24. Review status: criteria provided, single submitter. Criteria: ACMG Guidelines, 2015. Collection method: research. Allele origin: germline.

GeneDx
Classification: Likely benign. Last evaluated: 2017-08-29. Review status: criteria provided, single submitter. Criteria: GeneDx Variant Classification (06012015). Collection method: clinical testing. Allele origin: germline. Affected: yes.
Comment: This variant is considered likely benign or benign based on one or more of the following criteria: it is a conservative change, it occurs at a poorly conserved position in the protein, it is predicted to be benign by multiple in silico algorithms, and/or has population frequency not consistent with disease.

Eurofins Ntd Llc (ga)
Classification: Uncertain significance. Last evaluated: 2016-08-01. Review status: criteria provided, single submitter. Criteria: EGL Classification Definitions 2015. Collection method: clinical testing. Allele origin: germline. Observed: 1 variant allele, 1 heterozygote.